The following is an entry in ClinVar:

ClinVar aggregate classification (germline): Uncertain significance (1 of 4 stars; one submission).

Submission:

Women's Health and Genetics/Laboratory Corporation of America, LabCorp
Classification: Uncertain significance. Last evaluated: 2024-10-15. Review status: criteria provided, single submitter. Criteria: LabCorp Variant Classification Summary - May 2015. Collection method: clinical testing. Allele origin: germline.
Comment: Variant summary: AP1G1 c.1574C>T (p.Thr525Ile) results in a non-conservative amino acid change located in the Clathrin/coatomer adaptor, adaptin-like, N-terminal domain (IPR002553) of the encoded protein sequence. Three of five in-silico tools predict a damaging effect of the variant on protein function. The variant was absent in 251308 control chromosomes. The available data on variant occurrences in the general population are insufficient to allow any conclusion about variant significance. To our knowledge, no occurrence of c.1574C>T in individuals affected with Usmani-Riazuddin Syndrome, Autosomal Recessive and no experimental evidence demonstrating its impact on protein function have been reported. No submitters have cited clinical-significance assessments for this variant to ClinVar. Based on the evidence outlined above, the variant was classified as uncertain significance.

NM_001128.6(AP1G1):c.1565C>T (p.Thr522Ile)

Gene: AP1G1 (adaptor related protein complex 1 subunit gamma 1; minus strand). Cytogenetic location: 16q22.2.
Variant type: single nucleotide variant.
Coding change: c.1565C>T on transcript NM_001128.6 (MANE Select); coding-DNA position 1565, C replaced by T.
Protein change: p.Thr522Ile; replaces threonine 522 with isoleucine.
Molecular consequence: missense variant.
Genome position (GRCh38, 1-based): chr16:71,748,311, G>A on the plus strand (C>T on the coding strand, the complement: AP1G1 is on the minus strand). VCF-style: chr16-71748311-G-A. GRCh37 (hg19) VCF-style: chr16-71782214-G-A.
Other names: c.1574C>T, p.Thr525Ile (NM_001030007.2); short protein forms T522I, T525I.
Identifiers: ClinVar variation 3385304 (VCV003385304.1).